The following is an entry in ClinVar:

ClinVar aggregate classification (germline): Pathogenic (1 of 4 stars; one submission).

Conditions:
Renal-hepatic-pancreatic dysplasia 1 (RHPD1). Identifiers: MedGen C3715199, MONDO:0008833, OMIM 208540.

gnomAD v4.1: 4 of 1,610,906 alleles (0.00025%); highest among the groups gnomAD compares: Non-Finnish European, 0.00034%; no homozygotes.

Submission:

Victorian Clinical Genetics Services, Murdoch Childrens Research Institute
Classification: Pathogenic for Renal-hepatic-pancreatic dysplasia 1. Last evaluated: 2026-03-13. Review status: criteria provided, single submitter. Criteria: ACMG Guidelines, 2015. Collection method: clinical testing. Allele origin: germline.
Comment: This variant is classified as Pathogenic. Evidence in support of pathogenic classification: Variant is predicted to cause nonsense-mediated decay (NMD) and loss of protein (premature termination codon is located at least 54 nucleotides upstream of the final exon-exon junction); Variant is present in gnomAD <0.01 for a recessive condition (v4: 4 heterozygote(s), 0 homozygote(s)); This variant has limited previous evidence of pathogenicity in an unrelated individual. This variant has been reported in at least one compound heterozygous individual with nephronophthisis (PMID: 26673778); Other NMD-predicted variant(s) comparable to the one identified in this case have very strong previous evidence for pathogenicity (DECIPHER). Additional information: This gene is associated with autosomal recessive disease; Loss of function is a known mechanism of disease in this gene and is associated with Meckel syndrome 7 (MIM#267010), nephronophthisis 3 (MIM#604387) and renal-hepatic-pancreatic dysplasia 1 (MIM#208540).

Literature cited by the submitters: PubMed 26673778.

NM_153240.5(NPHP3):c.274G>T (p.Glu92Ter)

Genes: NPHP3 (nephrocystin 3; minus strand), NPHP3-ACAD11 (NPHP3-ACAD11 readthrough (NMD candidate); minus strand), NPHP3-AS1 (NPHP3 antisense RNA 1; plus strand), LOC129937586 (ATAC-STARR-seq lymphoblastoid silent region 14743; plus strand). Cytogenetic location: 3q22.1.
Variant type: single nucleotide variant.
Coding change: c.274G>T on transcript NM_153240.5 (MANE Select); coding-DNA position 274, G replaced by T.
Protein change: p.Glu92Ter; replaces glutamic acid 92 with a stop codon.
Molecular consequence: nonsense. On other transcripts: non-coding transcript variant (3).
Genome position (GRCh38, 1-based): chr3:132,722,082, C>A on the plus strand (G>T on the coding strand, the complement: NPHP3 is on the minus strand). VCF-style: chr3-132722082-C-A. GRCh37 (hg19) VCF-style: chr3-132440926-C-A.
Other names: short protein forms E92*.
Identifiers: ClinVar variation 4879701 (VCV004879701.1).
Genomic context (GRCh38, chr3:132,722,082, plus strand): 5'-TGGACAACAACTCCTGGTTCTTGCTGACGCGAAAGATCTCGTACTCCTTCCTGAGCCGCT[C>A]GTACTCGGCCGCCGCGTACTCCAGCTCTGGCACCGACGAGCCAGTGGACTTGAAGCTGGC-3'